The following is an entry in ClinVar:

NM_000069.3(CACNA1S):c.5587G>A (p.Gly1863Ser)

Gene: CACNA1S (calcium voltage-gated channel subunit alpha1 S; minus strand). Cytogenetic location: 1q32.1.
Variant type: single nucleotide variant.
Coding change: c.5587G>A on transcript NM_000069.3 (MANE Select); coding-DNA position 5587, G replaced by A.
Protein change: p.Gly1863Ser; replaces glycine 1863 with serine.
Molecular consequence: missense variant.
Genome position (GRCh38, 1-based): chr1:201,039,866, C>T on the plus strand (G>A on the coding strand, the complement: CACNA1S is on the minus strand). VCF-style: chr1-201039866-C-T. GRCh37 (hg19) VCF-style: chr1-201008994-C-T.
Other names: short protein forms G1863S.
Identifiers: ClinVar variation 2940976 (VCV002940976.3), dbSNP rs2464385642, ClinGen allele CA344127529.

ClinVar aggregate classification (germline): Uncertain significance (1 of 4 stars; one submission).

Conditions:
Malignant hyperthermia, susceptibility to, 5 (MHS5). Also called: CACNA1S-Related Malignant Hyperthermia Susceptibility. Identifiers: Orphanet 423, MedGen C1866077, MONDO:0011163, OMIM 601887.
Hypokalemic periodic paralysis, type 1. Also called: HypoPP; Hypokalemic Periodic Paralysis Type 1 (AD). Identifiers: Orphanet 681, MedGen C3714580, MONDO:0042979, OMIM 170400.

Allele frequency attached by ClinVar (database versions not stated): gnomAD exomes below 0.00001.
gnomAD v4.1: 2 of 1,610,038 alleles (0.00012%); highest among the groups gnomAD compares: South Asian, 0.0022%; no homozygotes.

Submission:

Labcorp Genetics (formerly Invitae), Labcorp
Classification: Uncertain significance for Hypokalemic periodic paralysis, type 1; Malignant hyperthermia, susceptibility to, 5. Last evaluated: 2023-02-07. Review status: criteria provided, single submitter. Criteria: Invitae Variant Classification Sherloc (09022015). Collection method: clinical testing. Allele origin: germline.
Comment: In summary, the available evidence is currently insufficient to determine the role of this variant in disease. Therefore, it has been classified as a Variant of Uncertain Significance. Advanced modeling of protein sequence and biophysical properties (such as structural, functional, and spatial information, amino acid conservation, physicochemical variation, residue mobility, and thermodynamic stability) performed at Invitae indicates that this missense variant is not expected to disrupt CACNA1S protein function. This variant has not been reported in the literature in individuals affected with CACNA1S-related conditions. This variant is not present in population databases (gnomAD no frequency). This sequence change replaces glycine, which is neutral and non-polar, with serine, which is neutral and polar, at codon 1863 of the CACNA1S protein (p.Gly1863Ser).